The following is an entry in ClinVar:

ClinVar aggregate classification (germline): Uncertain significance (1 of 4 stars; one submission).

Conditions:
2-aminoadipic 2-oxoadipic aciduria (AAKAD). Also called: Aminoadipic aciduria; ALPHA-AMINOADIPIC AND ALPHA-KETOADIPIC ACIDURIA. Identifiers: Orphanet 79154, MedGen C1859817, MONDO:0008774, OMIM 204750.

Allele frequency attached by ClinVar (database versions not stated): gnomAD exomes below 0.00001.
gnomAD v4.1: 1 of 1,612,904 alleles (0.000062%); no homozygotes.

Submission:

Labcorp Genetics (formerly Invitae), Labcorp
Classification: Uncertain significance for 2-aminoadipic 2-oxoadipic aciduria. Last evaluated: 2021-04-22. Review status: criteria provided, single submitter. Criteria: Invitae Variant Classification Sherloc (09022015). Collection method: clinical testing. Allele origin: germline.
Comment: In summary, the available evidence is currently insufficient to determine the role of this variant in disease. Therefore, it has been classified as a Variant of Uncertain Significance. Algorithms developed to predict the effect of missense changes on protein structure and function are either unavailable or do not agree on the potential impact of this missense change (SIFT: "Deleterious"; PolyPhen-2: "Benign"; Align-GVGD: "Class C45"). This variant has not been reported in the literature in individuals with DHTKD1-related conditions. This variant is not present in population databases (ExAC no frequency). This sequence change replaces phenylalanine with serine at codon 346 of the DHTKD1 protein (p.Phe346Ser). The phenylalanine residue is moderately conserved and there is a large physicochemical difference between phenylalanine and serine.

NM_018706.7(DHTKD1):c.1037T>C (p.Phe346Ser)

Gene: DHTKD1 (dehydrogenase E1 and transketolase domain containing 1; plus strand). Cytogenetic location: 10p14.
Variant type: single nucleotide variant.
Coding change: c.1037T>C on transcript NM_018706.7 (MANE Select); coding-DNA position 1037, T replaced by C.
Protein change: p.Phe346Ser; replaces phenylalanine 346 with serine.
Molecular consequence: missense variant.
Genome position (GRCh38, 1-based): chr10:12,091,562, T>C. VCF-style: chr10-12091562-T-C. GRCh37 (hg19) VCF-style: chr10-12133561-T-C.
Other names: short protein forms F346S.
Identifiers: ClinVar variation 1499815 (VCV001499815.8), dbSNP rs2131360674, ClinGen allele CA376019242.